The following is an entry in ClinVar:

ClinVar aggregate classification (germline): Uncertain significance. Review status: criteria provided, multiple submitters, no conflicts (2 of 4 stars). 2 submissions from 2 submitters: Uncertain significance (2). Last evaluated 2024-05-29.

Conditions:
Inborn genetic diseases. Identifiers: MedGen C0950123, MeSH D030342.

Submissions (2):

Ambry Genetics
Classification: Uncertain significance for Inborn genetic diseases. Last evaluated: 2024-05-29. Review status: criteria provided, single submitter. Criteria: Ambry Variant Classification Scheme 2023. Collection method: clinical testing. Allele origin: germline.

GeneDx
Classification: Uncertain significance. Last evaluated: 2022-06-07. Review status: criteria provided, single submitter. Criteria: GeneDx Variant Classification Process June 2021. Collection method: clinical testing. Allele origin: germline. Affected: yes.
Comment: Not observed at significant frequency in large population cohorts (gnomAD); In silico analysis supports that this missense variant has a deleterious effect on protein structure/function; In-silico analysis is inconclusive as to whether the variant alters gene splicing. In the absence of RNA/functional studies, the actual effect of this sequence change is unknown.; Has not been previously published as pathogenic or benign to our knowledge

NM_002941.4(ROBO1):c.2423G>T (p.Gly808Val)

Gene: ROBO1 (roundabout guidance receptor 1; minus strand). Cytogenetic location: 3p12.3.
Variant type: single nucleotide variant.
Coding change: c.2423G>T on transcript NM_002941.4 (MANE Select); coding-DNA position 2423, G replaced by T.
Protein change: p.Gly808Val; replaces glycine 808 with valine.
Molecular consequence: missense variant.
Genome position (GRCh38, 1-based): chr3:78,659,705, C>A on the plus strand (G>T on the coding strand, the complement: ROBO1 is on the minus strand). VCF-style: chr3-78659705-C-A. GRCh37 (hg19) VCF-style: chr3-78708855-C-A.
Other names: c.2315G>T, p.Gly772Val (NM_001145844.1, NM_001145845.2, NM_133631.4); short protein forms G772V, G808V.
Identifiers: ClinVar variation 1803526 (VCV001803526.2), dbSNP rs1707262583, ClinGen allele CA353662487.